The following is an entry in ClinVar:

ClinVar aggregate classification (germline): Uncertain significance. Review status: reviewed by expert panel (3 of 4 stars). 2 submissions from 2 submitters: Uncertain significance (1). 1 of the submissions does not count toward it. Last evaluated 2025-08-01.

Conditions:
Malignant hyperthermia of anesthesia. Also called: Anesthesic-triggered malignant hyperthermia. Identifiers: Orphanet 423, MedGen C0024591, MONDO:0018493, HP:0034733.

Allele frequency attached by ClinVar (database versions not stated): gnomAD exomes below 0.00001 and 0.00001; ExAC 0.00001.

Submissions (2):

ClinGen Malignant Hyperthermia Susceptibility Variant Curation Expert Panel, ClinGen
Classification: Uncertain significance for Malignant hyperthermia of anesthesia. Last evaluated: 2025-08-01. Review status: reviewed by expert panel. Criteria: ClinGen MHS ACMG Specifications V2. Collection method: curation. Allele origin: germline. Inheritance: Autosomal dominant inheritance.
Comment: This pathogenicity assessment is relevant only for malignant hyperthermia susceptibility (MHS) inherited in an autosomal dominant pattern. Variants in RYR1 can also cause other myopathies inherited in an autosomal dominant pattern or in an autosomal recessive pattern. Some of these disorders may predispose individuals to malignant hyperthermia. RYR1 variants may also contribute to a malignant hyperthermia reaction in combination with other genetic and non-genetic factors and the clinician needs to consider such factors in making management decisions. This sequence variant predicts a substitution of serine with proline at codon 2843 of the RYR1 protein, p.(Ser2843Pro). The maximum allele frequency for this variant among the six major gnomAD populations is SAS: 0.000033, a frequency consistent with pathogenicity for MHS. This variant has been reported in an individual with a personal or family history of an MH episode and a positive in vitro contracture test (IVCT) or caffeine halothane contracture test (CHCT) result (if the proband was unavailable for testing, a positive diagnostic test result in a mutation-positive relative was counted), PS4_Supporting (PMID:21455645). No functional studies were identified for this variant. This variant does not reside in a hotspot for pathogenic variants that contribute to MHS. A REVEL score of 0.761 supports neither a pathogenic nor a benign status for this variant. This variant has been classified as a Variant of Unknown Significance. Criteria implemented: PS4_Supporting.

GeneDx
Classification: Likely pathogenic. Last evaluated: 2024-12-02. Review status: criteria provided, single submitter. Criteria: GeneDx Variant Classification Process June 2021. Collection method: clinical testing. Allele origin: germline. Affected: yes. Not counted in ClinVar's aggregate classification.
Comment: Not observed at significant frequency in large population cohorts (gnomAD); In silico analysis supports that this missense variant has a deleterious effect on protein structure/function; This variant is associated with the following publications: (PMID: 22705209, 12668474, 35677449, 21455645)

NM_000540.3(RYR1):c.8527T>C (p.Ser2843Pro)

Genes: RYR1 (ryanodine receptor 1; plus strand), LOC126862902 (BRD4-independent group 4 enhancer GRCh37_chr19:38995830-38997029; plus strand). Cytogenetic location: 19q13.2.
Variant type: single nucleotide variant.
Coding change: c.8527T>C on transcript NM_000540.3 (MANE Select); coding-DNA position 8527, T replaced by C.
Protein change: p.Ser2843Pro; replaces serine 2843 with proline.
Molecular consequence: missense variant.
Genome position (GRCh38, 1-based): chr19:38,505,932, T>C. VCF-style: chr19-38505932-T-C. GRCh37 (hg19) VCF-style: chr19-38996572-T-C.
Other names: NM_000540.3(RYR1):c.8527T>C; p.(Ser2843Pro); NM_001042723.2:c.8527T>C; c.8527T>C, p.Ser2843Pro (NM_001042723.2); c.8527T>C (NM_000540.2); short protein forms S2843P.
Identifiers: ClinVar variation 1330360 (VCV001330360.4), dbSNP rs768535909, ClinGen allele CA072168.